The following is an entry in ClinVar:

ClinVar aggregate classification (germline): Uncertain significance (1 of 4 stars; one submission).

Conditions:
Loeys-Dietz syndrome 4 (LDS4). Also called: ANEURYSM, AORTIC AND CEREBRAL, WITH ARTERIAL TORTUOSITY AND SKELETAL MANIFESTATIONS; TGFB2-Related Loeys-Dietz Syndrome. Identifiers: MedGen C3553762, MONDO:0013897, OMIM 614816.

Submission:

Department of Clinical Genetics, Copenhagen University Hospital, Rigshospitalet
Classification: Uncertain significance for Loeys-Dietz syndrome 4. Last evaluated: 2024-04-04. Review status: criteria provided, single submitter. Criteria: ACMG Guidelines, 2015. Collection method: clinical testing. Allele origin: germline.
Comment: PP3_Str, PM2_Sup

NM_003238.6(TGFB2):c.986A>G (p.Asp329Gly)

Gene: TGFB2 (transforming growth factor beta 2; plus strand). Cytogenetic location: 1q41.
Variant type: single nucleotide variant.
Coding change: c.986A>G on transcript NM_003238.6 (MANE Select); coding-DNA position 986, A replaced by G.
Protein change: p.Asp329Gly; replaces aspartic acid 329 with glycine.
Molecular consequence: missense variant. On other transcripts: non-coding transcript variant (2).
Genome position (GRCh38, 1-based): chr1:218,437,396, A>G. VCF-style: chr1-218437396-A-G. GRCh37 (hg19) VCF-style: chr1-218610738-A-G.
Other names: c.1070A>G, p.Asp357Gly (NM_001135599.4); short protein forms D329G, D357G.
Identifiers: ClinVar variation 3899289 (VCV003899289.1).